The following is an entry in ClinVar:

ClinVar aggregate classification (germline): Benign (0 of 4 stars; one submission).

Conditions:
SPRY2-related disorder. Also called: SPRY2-related condition.

Allele frequency attached by ClinVar (database versions not stated): 1000 Genomes Project 0.00100; 1000 Genomes Project 30x 0.00109; gnomAD 0.00170; ESP Exome Variant Server 0.00192; TOPMed 0.00199.

Submission:

PreventionGenetics, part of Exact Sciences
Classification: Benign for SPRY2-related condition. Last evaluated: 2019-10-28. Review status: no assertion criteria provided. Collection method: clinical testing. Allele origin: germline.
Comment: This variant is classified as benign based on ACMG/AMP sequence variant interpretation guidelines (Richards et al. 2015 PMID: 25741868, with internal and published modifications).

NM_005842.4(SPRY2):c.426C>T (p.Ser142=)

Gene: SPRY2 (sprouty RTK signaling antagonist 2; minus strand). Cytogenetic location: 13q31.1.
Variant type: single nucleotide variant.
Coding change: c.426C>T on transcript NM_005842.4 (MANE Select); coding-DNA position 426, C replaced by T.
Protein change: p.Ser142=; no amino-acid change (serine 142 retained).
Molecular consequence: synonymous variant.
Genome position (GRCh38, 1-based): chr13:80,337,280, G>A on the plus strand (C>T on the coding strand, the complement: SPRY2 is on the minus strand). VCF-style: chr13-80337280-G-A. GRCh37 (hg19) VCF-style: chr13-80911415-G-A.
Other names: c.426C>T, p.Ser142= (NM_001318536.1, NM_001318537.1, NM_001318538.1).
Identifiers: ClinVar variation 3040976 (VCV003040976.2), dbSNP rs35976440, ClinGen allele CA7014402.